The following is an entry in ClinVar:

NM_024407.5(NDUFS7):c.16+305C>T

Gene: NDUFS7 (NADH:ubiquinone oxidoreductase core subunit S7; plus strand). Cytogenetic location: 19p13.3.
Variant type: single nucleotide variant.
Coding change: c.16+305C>T on transcript NM_024407.5 (MANE Select); 305 bases into the intron after coding-DNA position 16, C replaced by T.
Molecular consequence: intron variant.
Genome position (GRCh38, 1-based): chr19:1,384,247, C>T. VCF-style: chr19-1384247-C-T. GRCh37 (hg19) VCF-style: chr19-1384246-C-T.
Other names: c.16+305C>T (NM_001363602.2).
Identifiers: ClinVar variation 671566 (VCV000671566.2), dbSNP rs11668291, ClinGen allele CA14680693.
Genomic context (GRCh38, chr19:1,384,247, plus strand): 5'-GAAGGCGCTCGGGGTGGAGGCTGGAGGGGCCCCATTCACGTCCCCGAGACCAGGGCACGG[C>T]CCGCGAGGCTGCTCTTGAGATGCCCTGGAGAGAGCGGGGCCTGCCTGACAGGCTGGGAAA-3'

ClinVar aggregate classification (germline): Likely benign. Review status: criteria provided, multiple submitters, no conflicts (2 of 4 stars). 2 submissions from 2 submitters: Likely benign (2). Last evaluated 2018-06-14.

Allele frequency attached by ClinVar (database versions not stated): 1000 Genomes Project 30x 0.00921; 1000 Genomes Project 0.00958; TOPMed 0.02234; gnomAD 0.02430 and 0.02507; gnomAD exomes 0.02852.
gnomAD v4.1: 12,583 of 462,998 alleles (2.7%); highest among the groups gnomAD compares: Middle Eastern, 4.3%; 228 homozygotes.

Submissions (2):

GeneDx
Classification: Likely benign. Last evaluated: 2018-06-14. Review status: criteria provided, single submitter. Criteria: GeneDx Variant Classification (06012015). Collection method: clinical testing. Allele origin: germline. Affected: yes.
Comment: This variant is considered likely benign or benign based on one or more of the following criteria: it is a conservative change, it occurs at a poorly conserved position in the protein, it is predicted to be benign by multiple in silico algorithms, and/or has population frequency not consistent with disease.

Breakthrough Genomics
Classification: Likely benign. Review status: criteria provided, single submitter. Criteria: ACMG Guidelines, 2015. Collection method: not provided. Allele origin: germline. Inheritance: Autosomal recessive inheritance. Affected: yes.